The following is an entry in ClinVar:

ClinVar aggregate classification (germline): Uncertain significance (1 of 4 stars; one submission).

Allele frequency attached by ClinVar (database versions not stated): ExAC 0.00002; gnomAD exomes 0.00002 and 0.00008; gnomAD 0.00003 and 0.00004; TOPMed 0.00003.
gnomAD v4.1: 115 of 1,614,020 alleles (0.0071%); highest among the groups gnomAD compares: Non-Finnish European, 0.0089%; no homozygotes.

Submission:

Labcorp Genetics (formerly Invitae), Labcorp
Classification: Uncertain significance. Last evaluated: 2025-03-17. Review status: criteria provided, single submitter. Criteria: Invitae Variant Classification Sherloc (09022015). Collection method: clinical testing. Allele origin: germline.
Comment: This sequence change replaces glutamic acid, which is acidic and polar, with lysine, which is basic and polar, at codon 198 of the OPN1SW protein (p.Glu198Lys). This variant is present in population databases (rs773124378, gnomAD 0.006%). This variant has not been reported in the literature in individuals affected with OPN1SW-related conditions. ClinVar contains an entry for this variant (Variation ID: 1045869). An algorithm developed to predict the effect of missense changes on protein structure and function (PolyPhen-2) suggests that this variant is likely to be disruptive. In summary, the available evidence is currently insufficient to determine the role of this variant in disease. Therefore, it has been classified as a Variant of Uncertain Significance.

NM_001385125.1(OPN1SW):c.583G>A (p.Glu195Lys)

Gene: OPN1SW (opsin 1, short wave sensitive; minus strand). Cytogenetic location: 7q32.1.
Variant type: single nucleotide variant.
Coding change: c.583G>A on transcript NM_001385125.1 (MANE Select); coding-DNA position 583, G replaced by A.
Protein change: p.Glu195Lys; replaces glutamic acid 195 with lysine.
Molecular consequence: missense variant.
Genome position (GRCh38, 1-based): chr7:128,774,593, C>T on the plus strand (G>A on the coding strand, the complement: OPN1SW is on the minus strand). VCF-style: chr7-128774593-C-T. GRCh37 (hg19) VCF-style: chr7-128414647-C-T.
Other names: short protein forms E195K.
Identifiers: ClinVar variation 1045869 (VCV001045869.8), dbSNP rs773124378, ClinGen allele CA4472900.